The following is an entry in ClinVar:

NM_014363.6(SACS):c.6846G>T (p.Leu2282Phe)

Gene: SACS (sacsin molecular chaperone; minus strand). Cytogenetic location: 13q12.12.
Variant type: single nucleotide variant.
Coding change: c.6846G>T on transcript NM_014363.6 (MANE Select); coding-DNA position 6846, G replaced by T.
Protein change: p.Leu2282Phe; replaces leucine 2282 with phenylalanine.
Molecular consequence: missense variant.
Genome position (GRCh38, 1-based): chr13:23,337,030, C>A on the plus strand (G>T on the coding strand, the complement: SACS is on the minus strand). VCF-style: chr13-23337030-C-A. GRCh37 (hg19) VCF-style: chr13-23911169-C-A.
Other names: c.6405G>T, p.Leu2135Phe (NM_001278055.2); c.6873G>T, p.Leu2291Phe (NM_001437336.1); short protein forms L2135F, L2282F, L2291F.
Identifiers: ClinVar variation 4882914 (VCV004882914.2).

ClinVar aggregate classification (germline): Uncertain significance (1 of 4 stars; one submission).

Conditions:
Charlevoix-Saguenay spastic ataxia (SACS). Also called: AUTOSOMAL RECESSIVE SPASTIC ATAXIA OF CHARLEVOIX-SAGUENAY; Spastic ataxia of Charlevoix-Saguenay; SPASTIC ATAXIA 6, AUTOSOMAL RECESSIVE. Identifiers: Orphanet 98, MedGen C1849140, MONDO:0010041, OMIM 270550.

gnomAD v4.1: 8 of 1,613,898 alleles (0.0005%); highest among the groups gnomAD compares: Non-Finnish European, 0.00059%; no homozygotes.

Submission:

Dasa
Classification: Uncertain significance for Charlevoix-Saguenay spastic ataxia. Last evaluated: 2025-12-15. Review status: criteria provided, single submitter. Criteria: DASA Assertion Criteria. Collection method: clinical testing. Allele origin: germline.
Comment: NM_014363.6(SACS):c.6846G>T (p.Leu2282Phe) is a missense variant that results in the substitution of leucine with phenylalanine. This variant is rare in population databases. Computational prediction algorithms are consistent with a deleterious effect. The currently available literature and clinical evidence are not sufficient to establish a definitive association between this variant and the reported condition. Therefore, this variant is classified as a variant of uncertain significance.